The following is an entry in ClinVar:

ClinVar aggregate classification (germline): Uncertain significance. Review status: criteria provided, multiple submitters, no conflicts (2 of 4 stars). 5 submissions from 5 submitters: Uncertain significance (5). Last evaluated 2025-12-29.

Conditions:
Hereditary cancer-predisposing syndrome. Also called: Hereditary neoplastic syndrome; Neoplastic Syndromes, Hereditary; Tumor predisposition; Hereditary Cancer Syndrome. Identifiers: Orphanet 140162, MedGen C0027672, MeSH D009386, MONDO:0015356.
Familial thoracic aortic aneurysm and aortic dissection (TAAD). Also called: Thoracic aortic aneurysms and dissections. Identifiers: Orphanet 91387, MedGen C4707243, MONDO:0019625.
Juvenile polyposis syndrome (JPS). Identifiers: Orphanet 2929, MedGen C0345893, MONDO:0017380, OMIM 174900.
Juvenile polyposis/hereditary hemorrhagic telangiectasia syndrome (JPHT). Also called: Juvenile Polyposis Syndrome / Hereditary Hemorrhagic Telangiectasia (JPS/HHT); JP/HHT SYNDROME; JUVENILE POLYPOSIS WITH HEREDITARY HEMORRHAGIC TELANGIECTASIA; POLYPOSIS, GENERALIZED JUVENILE, WITH PULMONARY ARTERIOVENOUS MALFORMATION; TELANGIECTASIA, HEREDITARY HEMORRHAGIC, WITH JUVENILE POLYPOSIS COLI. Identifiers: Orphanet 2929, MedGen C1832942, MONDO:0008278, OMIM 175050.

Allele frequency attached by ClinVar (database versions not stated): TOPMed below 0.00001; gnomAD 0.00001.
gnomAD v4.1: 14 of 1,613,340 alleles (0.00087%); highest among the groups gnomAD compares: Non-Finnish European, 0.00093%; no homozygotes.

Submissions (5):

Labcorp Genetics (formerly Invitae), Labcorp
Classification: Uncertain significance for Juvenile polyposis syndrome. Last evaluated: 2025-12-29. Review status: criteria provided, single submitter. Criteria: Invitae Variant Classification Sherloc (09022015). Collection method: clinical testing. Allele origin: germline.
Comment: This sequence change replaces proline, which is neutral and non-polar, with threonine, which is neutral and polar, at codon 218 of the SMAD4 protein (p.Pro218Thr). This variant is present in population databases (no rsID available, gnomAD 0.007%). This variant has not been reported in the literature in individuals affected with SMAD4-related conditions. ClinVar contains an entry for this variant (Variation ID: 659865). Invitae Evidence Modeling of protein sequence and biophysical properties (such as structural, functional, and spatial information, amino acid conservation, physicochemical variation, residue mobility, and thermodynamic stability) indicates that this missense variant is not expected to disrupt SMAD4 protein function with a negative predictive value of 95%. In summary, the available evidence is currently insufficient to determine the role of this variant in disease. Therefore, it has been classified as a Variant of Uncertain Significance.

All of Us Research Program, National Institutes of Health
Classification: Uncertain significance for Juvenile polyposis/hereditary hemorrhagic telangiectasia syndrome. Last evaluated: 2024-09-23. Review status: criteria provided, single submitter. Criteria: ACMG Guidelines, 2015. Collection method: clinical testing. Allele origin: germline. Inheritance: Autosomal dominant inheritance. Observed: 1 variant allele, 1 heterozygote.
Comment: This missense variant replaces proline with threonine at codon 218 of the SMAD4 protein. Computational prediction suggests that this variant may not impact protein structure and function (internally defined REVEL score threshold <= 0.5, PMID: 27666373). To our knowledge, functional studies have not been reported for this variant. This variant has not been reported in individuals affected with hereditary cancer in the literature. This variant has been identified in 1/31394 chromosomes in the general population by the Genome Aggregation Database (gnomAD). The available evidence is insufficient to determine the role of this variant in disease conclusively. Therefore, this variant is classified as a Variant of Uncertain Significance.

This study involves interpretation of variants in research participants for the purpose of population health screening. Participant phenotype was not available at the time of variant classification. Additional details can be found in publication PMID: 35346344, PMCID: PMC8962531

Color Diagnostics, LLC DBA Color Health
Classification: Uncertain significance for Hereditary cancer-predisposing syndrome. Last evaluated: 2024-03-06. Review status: criteria provided, single submitter. Criteria: ACMG Guidelines, 2015. Collection method: clinical testing. Allele origin: germline.
Comment: This missense variant replaces proline with threonine at codon 218 of the SMAD4 protein. Computational prediction suggests that this variant may not impact protein structure and function (internally defined REVEL score threshold <= 0.5, PMID: 27666373). To our knowledge, functional studies have not been reported for this variant. This variant has not been reported in individuals affected with hereditary cancer in the literature. This variant has been identified in 1/31394 chromosomes in the general population by the Genome Aggregation Database (gnomAD). The available evidence is insufficient to determine the role of this variant in disease conclusively. Therefore, this variant is classified as a Variant of Uncertain Significance.

Baylor Genetics
Classification: Uncertain significance for Juvenile polyposis/hereditary hemorrhagic telangiectasia syndrome. Last evaluated: 2024-01-17. Review status: criteria provided, single submitter. Criteria: ACMG Guidelines, 2015. Collection method: clinical testing. Allele origin: unknown.

Ambry Genetics
Classification: Uncertain significance for Hereditary cancer-predisposing syndrome; Familial thoracic aortic aneurysm and aortic dissection. Last evaluated: 2023-09-27. Review status: criteria provided, single submitter. Criteria: Ambry Variant Classification Scheme 2023. Collection method: clinical testing. Allele origin: germline.
Comment: The p.P218T variant (also known as c.652C>A), located in coding exon 4 of the SMAD4 gene, results from a C to A substitution at nucleotide position 652. The proline at codon 218 is replaced by threonine, an amino acid with highly similar properties. This amino acid position is well conserved in available vertebrate species. In addition, this alteration is predicted to be deleterious by in silico analysis. Since supporting evidence is limited at this time, the clinical significance of this alteration remains unclear.

NM_005359.6(SMAD4):c.652C>A (p.Pro218Thr)

Gene: SMAD4 (SMAD family member 4; plus strand). Cytogenetic location: 18q21.2.
Variant type: single nucleotide variant.
Coding change: c.652C>A on transcript NM_005359.6 (MANE Select); coding-DNA position 652, C replaced by A.
Protein change: p.Pro218Thr; replaces proline 218 with threonine.
Molecular consequence: missense variant.
Genome position (GRCh38, 1-based): chr18:51,054,978, C>A. VCF-style: chr18-51054978-C-A. GRCh37 (hg19) VCF-style: chr18-48581348-C-A.
Other names: short protein forms P218T.
Identifiers: ClinVar variation 659865 (VCV000659865.17), dbSNP rs1345146274, ClinGen allele CA402461312.
Genomic context (GRCh38, chr18:51,054,978, plus strand): 5'-CCAGCTCTGTTAGCCCCATCTGAGTCTAATGCTACCAGCACTGCCAACTTTCCCAACATT[C>A]CTGTGGCTTCCACAAGTGAGTTCTAGAATCAGATGTAGTCAGCAAGTTGAGTTTTCCTAA-3'
Protein context (NP_005350.1, residues 208-228): ATSTANFPNI[Pro218Thr]VASTSQPASI